The following is an entry in ClinVar:

NM_006329.4(FBLN5):c.265T>G (p.Ser89Ala)

Gene: FBLN5 (fibulin 5; minus strand). Cytogenetic location: 14q32.12.
Variant type: single nucleotide variant.
Coding change: c.265T>G on transcript NM_006329.4 (MANE Select); coding-DNA position 265, T replaced by G.
Protein change: p.Ser89Ala; replaces serine 89 with alanine.
Molecular consequence: missense variant.
Genome position (GRCh38, 1-based): chr14:91,937,061, A>C on the plus strand (T>G on the coding strand, the complement: FBLN5 is on the minus strand). VCF-style: chr14-91937061-A-C. GRCh37 (hg19) VCF-style: chr14-92403405-A-C.
Other names: c.388T>G, p.Ser130Ala (NM_001384158.1); c.316T>G, p.Ser106Ala (NM_001384159.1); c.265T>G, p.Ser89Ala (NM_001384160.1); c.97T>G, p.Ser33Ala (NM_001384161.1, NM_001384162.1); short protein forms S106A, S130A, S33A, S89A.
Identifiers: ClinVar variation 1716769 (VCV001716769.6), dbSNP rs896665070, ClinGen allele CA390639840.

ClinVar aggregate classification (germline): Uncertain significance (1 of 4 stars; one submission).

Submission:

Labcorp Genetics (formerly Invitae), Labcorp
Classification: Uncertain significance. Last evaluated: 2022-11-02. Review status: criteria provided, single submitter. Criteria: Invitae Variant Classification Sherloc (09022015). Collection method: clinical testing. Allele origin: germline.
Comment: In summary, the available evidence is currently insufficient to determine the role of this variant in disease. Therefore, it has been classified as a Variant of Uncertain Significance. Algorithms developed to predict the effect of missense changes on protein structure and function (SIFT, PolyPhen-2, Align-GVGD) all suggest that this variant is likely to be tolerated. This variant has not been reported in the literature in individuals affected with FBLN5-related conditions. This variant is not present in population databases (gnomAD no frequency). This sequence change replaces serine, which is neutral and polar, with alanine, which is neutral and non-polar, at codon 89 of the FBLN5 protein (p.Ser89Ala).